The following is an entry in ClinVar:

NM_206933.4(USH2A):c.1993A>G (p.Lys665Glu)

Gene: USH2A (usherin; minus strand). Cytogenetic location: 1q41.
Variant type: single nucleotide variant.
Coding change: c.1993A>G on transcript NM_206933.4 (MANE Select); coding-DNA position 1993, A replaced by G.
Protein change: p.Lys665Glu; replaces lysine 665 with glutamic acid.
Molecular consequence: missense variant.
Genome position (GRCh38, 1-based): chr1:216,251,077, T>C on the plus strand (A>G on the coding strand, the complement: USH2A is on the minus strand). VCF-style: chr1-216251077-T-C. GRCh37 (hg19) VCF-style: chr1-216424419-T-C.
Other names: c.1993A>G, p.Lys665Glu (NM_007123.6); c.1993A>G (NM_206933.2); short protein forms K665E.
Identifiers: ClinVar variation 1484901 (VCV001484901.5), dbSNP rs749791724, ClinGen allele CA1396333.

ClinVar aggregate classification (germline): Uncertain significance. Review status: criteria provided, multiple submitters, no conflicts (2 of 4 stars). 3 submissions from 3 submitters: Uncertain significance (3). Last evaluated 2026-02-28.

Conditions:
Inborn genetic diseases. Identifiers: MedGen C0950123, MeSH D030342.

Allele frequency attached by ClinVar (database versions not stated): gnomAD exomes 0.00001 and below 0.00001; ExAC 0.00001; TOPMed 0.00002.
gnomAD v4.1: 3 of 1,614,072 alleles (0.00019%); highest among the groups gnomAD compares: Admixed American, 0.0033%; no homozygotes.

Submissions (3):

GeneDx
Classification: Uncertain significance. Last evaluated: 2026-02-28. Review status: criteria provided, single submitter. Criteria: GeneDx Variant Classification Process June 2021. Collection method: clinical testing. Allele origin: germline.
Comment: Not observed at significant frequency in large population cohorts (gnomAD); In silico analysis supports that this missense variant has a deleterious effect on protein structure/function; Has not been previously published as pathogenic or benign to our knowledge

Ambry Genetics
Classification: Uncertain significance for Inborn genetic diseases. Last evaluated: 2024-05-23. Review status: criteria provided, single submitter. Criteria: Ambry Variant Classification Scheme 2023. Collection method: clinical testing. Allele origin: germline.

Labcorp Genetics (formerly Invitae), Labcorp
Classification: Uncertain significance. Last evaluated: 2021-12-15. Review status: criteria provided, single submitter. Criteria: Invitae Variant Classification Sherloc (09022015). Collection method: clinical testing. Allele origin: germline.
Comment: This sequence change replaces lysine, which is basic and polar, with glutamic acid, which is acidic and polar, at codon 665 of the USH2A protein (p.Lys665Glu). This variant is present in population databases (rs749791724, gnomAD 0.006%). This missense change has been observed in individual(s) with retinitis pigmentosa (Invitae). Algorithms developed to predict the effect of missense changes on protein structure and function are either unavailable or do not agree on the potential impact of this missense change (SIFT: "Deleterious"; PolyPhen-2: "Probably Damaging"; Align-GVGD: "Class C0"). In summary, the available evidence is currently insufficient to determine the role of this variant in disease. Therefore, it has been classified as a Variant of Uncertain Significance.